The following is an entry in ClinVar:

NM_032590.5(KDM2B):c.833dup (p.Leu279fs)

Gene: KDM2B (lysine demethylase 2B; minus strand). Cytogenetic location: 12q24.31.
Variant type: Duplication.
Coding change: c.833dup on transcript NM_032590.5 (MANE Select); coding-DNA position 833, one base duplicated (T; older notation c.833dupT).
Protein change: p.Leu279fs; shifts the reading frame from leucine 279.
Molecular consequence: frameshift variant.
Genome position (GRCh38, 1-based): chr12:121,532,904, A duplicated on the plus strand (T on the coding strand, the reverse complement: KDM2B is on the minus strand). VCF-style (leftmost placement, unchanged base first): chr12-121532903-C-CA. GRCh37 (hg19) VCF-style: chr12-121970808-C-CA.
Other names: c.740dup, p.Leu248fs (NM_001005366.2, NM_001439020.1, NM_001439025.1 and 1 more transcripts); c.929dup, p.Leu311fs (NM_001439014.1, NM_001439015.1); c.833dup, p.Leu279fs (NM_001439016.1, NM_001439017.1, NM_001439018.1); c.722dup, p.Leu242fs (NM_001439021.1, NM_001439028.1); c.770dup, p.Leu258fs (NM_001439022.1, NM_001439023.1, NM_001439029.1); short protein forms L242fs, L248fs, L258fs, L279fs, L311fs.
Identifiers: ClinVar variation 4819063 (VCV004819063.1).

ClinVar aggregate classification (germline): Uncertain significance (1 of 4 stars; one submission).

Conditions:
Neurodevelopmental disorder. Identifiers: MedGen C1535926, MeSH D065886, MONDO:0700092.

Submission:

Victorian Clinical Genetics Services, Murdoch Childrens Research Institute
Classification: Uncertain significance for Neurodevelopmental disorder. Last evaluated: 2025-12-21. Review status: criteria provided, single submitter. Criteria: ACMG Guidelines, 2015. Collection method: clinical testing. Allele origin: germline. Affected: yes.
Comment: This variant is classified as VUS-3B. Evidence in support of pathogenic classification: Variant is predicted to cause nonsense-mediated decay (NMD) and loss of protein (premature termination codon is located at least 54 nucleotides upstream of the final exon-exon junction); Variant is absent from gnomAD (v2, v3 and v4); Other NMD-predicted variant(s) comparable to the one identified in this case have moderate previous evidence for pathogenicity (ClinVar, PMID: 36322151). Other NMD-predicted variant(s) comparable to the one identified in this case have been classified as VUS in ClinVar with limited information. Additional information: This variant is heterozygous; This gene is associated with autosomal dominant disease; Other NMD predicted variant(s) in this gene are present in gnomAD (highest allele count: v4: 10 heterozygote(s), 0 homozygote(s)); This variant has no previous evidence of pathogenicity; No published evidence of segregation with disease has been identified for this variant; No published functional evidence has been identified for this variant; The mechanism of disease for this gene is not clearly established. This gene is associated with neurodevelopmental disorder (MONDO:0700092), KDM2B-related (PMID: 36322151). Dominant-negative has been speculated as the mechanism of disease for missense variants located in the CxxC domain (PMID:36322151). Haploinsufficiency has been suggested as the mechanism for loss of function variants in this gene (PMID: 40420380); Variants in this gene are known to have variable expressivity (PMID:36322151); Inheritance information for this variant is not currently available in this individual.

Literature cited by the submitters: PubMed 40420380; PubMed 36322151.